The following is an entry in ClinVar:

NM_001103.4(ACTN2):c.244G>A (p.Glu82Lys)

Gene: ACTN2 (actinin alpha 2; plus strand). Cytogenetic location: 1q43.
Variant type: single nucleotide variant.
Coding change: c.244G>A on transcript NM_001103.4 (MANE Select); coding-DNA position 244, G replaced by A.
Protein change: p.Glu82Lys; replaces glutamic acid 82 with lysine.
Molecular consequence: missense variant. On other transcripts: 5 prime UTR variant (1).
Genome position (GRCh38, 1-based): chr1:236,718,896, G>A. VCF-style: chr1-236718896-G-A. GRCh37 (hg19) VCF-style: chr1-236882196-G-A.
Other names: c.244G>A, p.Glu82Lys (NM_001278343.2); c.-578G>A (NM_001278344.2); short protein forms E82K.
Identifiers: ClinVar variation 452903 (VCV000452903.10), dbSNP rs139424431, ClinGen allele CA39709743.
Genomic context (GRCh38, chr1:236,718,896, plus strand): 5'-ATTCCGCATCAAGAGGTCACTGTCTCTATGTCTGCATGATTCTCTTTTCATCCAACAGGG[G>A]AAAGGCTGCCCAAACCTGACCGGGGAAAAATGCGGTTCCACAAAATTGCTAATGTCAACA-3'
Protein context (NP_001094.1, residues 72-92): LMLLLEVISG[Glu82Lys]RLPKPDRGKM

ClinVar aggregate classification (germline): Uncertain significance. Review status: criteria provided, multiple submitters, no conflicts (2 of 4 stars). 2 submissions from 2 submitters: Uncertain significance (2). Last evaluated 2024-10-07.

Conditions:
Primary familial hypertrophic cardiomyopathy (HCM). Identifiers: Orphanet 99739, MedGen C0949658, MeSH D024741, MONDO:0024573. Inheritance: Various modes of inheritance.
Dilated cardiomyopathy 1AA (CMD1AA). Also called: CARDIOMYOPATHY, DILATED, 1AA, WITH OR WITHOUT LEFT VENTRICULAR NONCOMPACTION; CARDIOMYOPATHY, FAMILIAL HYPERTROPHIC, 23, WITH OR WITHOUT LEFT VENTRICULAR NONCOMPACTION; Cardiomyopathy, dilated, 1AA, with or without LVNC. Identifiers: Orphanet 154, MedGen C2677338, MONDO:0012808, OMIM 612158.

Allele frequency attached by ClinVar (database versions not stated): gnomAD exomes below 0.00001 and 0.00001; gnomAD 0.00001; TOPMed 0.00004; ESP Exome Variant Server 0.00015.
gnomAD v4.1: 2 of 1,614,084 alleles (0.00012%); highest among the groups gnomAD compares: African/African-American, 0.0027%; no homozygotes.

Submissions (2):

Labcorp Genetics (formerly Invitae), Labcorp
Classification: Uncertain significance for Primary familial hypertrophic cardiomyopathy; Dilated cardiomyopathy 1AA. Last evaluated: 2024-10-07. Review status: criteria provided, single submitter. Criteria: Invitae Variant Classification Sherloc (09022015). Collection method: clinical testing. Allele origin: germline.
Comment: This sequence change replaces glutamic acid, which is acidic and polar, with lysine, which is basic and polar, at codon 82 of the ACTN2 protein (p.Glu82Lys). This variant is present in population databases (rs139424431, gnomAD 0.01%). This variant has not been reported in the literature in individuals affected with ACTN2-related conditions. ClinVar contains an entry for this variant (Variation ID: 452903). An algorithm developed to predict the effect of missense changes on protein structure and function (PolyPhen-2) suggests that this variant is likely to be disruptive. In summary, the available evidence is currently insufficient to determine the role of this variant in disease. Therefore, it has been classified as a Variant of Uncertain Significance.

GeneDx
Classification: Uncertain significance. Last evaluated: 2017-10-18. Review status: criteria provided, single submitter. Criteria: GeneDx Variant Classification (06012015). Collection method: clinical testing. Allele origin: germline. Affected: yes.
Comment: A variant of uncertain significance has been identified in the ACTN2 gene. The E82K variant has not been published as pathogenic or been reported as benign to our knowledge. This variant is not observed at a significant frequency in large population cohorts (Lek et al., 2016). The E82K variant is a non-conservative amino acid substitution, which is likely to impact secondary protein structure as these residues differ in polarity, charge, size and/or other properties. This substitution occurs at a position that is conserved across species, and in silico analysis predicts this variant is probably damaging to the protein structure/function. However, to our knowledge no studies have been performed to determine the functional effect of the E82K variant.